The following is an entry in ClinVar:

ClinVar aggregate classification (germline): Uncertain significance. Review status: criteria provided, multiple submitters, no conflicts (2 of 4 stars). 2 submissions from 2 submitters: Uncertain significance (2). Last evaluated 2024-11-22.

Conditions:
Inborn genetic diseases. Identifiers: MedGen C0950123, MeSH D030342.
Baller-Gerold syndrome (BGS). Also called: CRANIOSYNOSTOSIS WITH RADIAL DEFECTS. Identifiers: Orphanet 1225, MedGen C0265308, MONDO:0009039, OMIM 218600.

Allele frequency attached by ClinVar (database versions not stated): ExAC 0.00001; gnomAD exomes 0.00001; TOPMed 0.00001.

Submissions (2):

Ambry Genetics
Classification: Uncertain significance for Inborn genetic diseases. Last evaluated: 2024-11-22. Review status: criteria provided, single submitter. Criteria: Ambry Variant Classification Scheme 2023. Collection method: clinical testing. Allele origin: germline.
Comment: The p.E74Q variant (also known as c.220G>C), located in coding exon 4 of the RECQL4 gene, results from a G to C substitution at nucleotide position 220. The glutamic acid at codon 74 is replaced by glutamine, an amino acid with highly similar properties. This amino acid position is conserved. In addition, this alteration is predicted to be tolerated by in silico analysis. Based on the available evidence, the clinical significance of this variant remains unclear.

Labcorp Genetics (formerly Invitae), Labcorp
Classification: Uncertain significance for Baller-Gerold syndrome. Last evaluated: 2024-05-08. Review status: criteria provided, single submitter. Criteria: Invitae Variant Classification Sherloc (09022015). Collection method: clinical testing. Allele origin: germline.
Comment: This sequence change replaces glutamic acid, which is acidic and polar, with glutamine, which is neutral and polar, at codon 74 of the RECQL4 protein (p.Glu74Gln). This variant is present in population databases (rs765583077, gnomAD 0.003%). This variant has not been reported in the literature in individuals affected with RECQL4-related conditions. ClinVar contains an entry for this variant (Variation ID: 459387). Experimental studies and prediction algorithms are not available or were not evaluated, and the functional significance of this variant is currently unknown. In summary, the available evidence is currently insufficient to determine the role of this variant in disease. Therefore, it has been classified as a Variant of Uncertain Significance.

NM_004260.4(RECQL4):c.220G>C (p.Glu74Gln)

Gene: RECQL4 (RecQ like helicase 4; minus strand). Cytogenetic location: 8q24.3.
Variant type: single nucleotide variant.
Coding change: c.220G>C on transcript NM_004260.4 (MANE Select); coding-DNA position 220, G replaced by C.
Protein change: p.Glu74Gln; replaces glutamic acid 74 with glutamine.
Molecular consequence: missense variant.
Genome position (GRCh38, 1-based): chr8:144,517,184, C>G on the plus strand (G>C on the coding strand, the complement: RECQL4 is on the minus strand). VCF-style: chr8-144517184-C-G. GRCh37 (hg19) VCF-style: chr8-145742568-C-G.
Other names: short protein forms E74Q.
Identifiers: ClinVar variation 459387 (VCV000459387.9), dbSNP rs765583077, ClinGen allele CA4949419.